The following is an entry in ClinVar:

NM_000340.2(SLC2A2):c.529G>A (p.Gly177Ser)

Gene: SLC2A2 (solute carrier family 2 member 2; minus strand). Cytogenetic location: 3q26.2.
Variant type: single nucleotide variant.
Coding change: c.529G>A on transcript NM_000340.2 (MANE Select); coding-DNA position 529, G replaced by A.
Protein change: p.Gly177Ser; replaces glycine 177 with serine.
Molecular consequence: missense variant.
Genome position (GRCh38, 1-based): chr3:171,007,231, C>T on the plus strand (G>A on the coding strand, the complement: SLC2A2 is on the minus strand). VCF-style: chr3-171007231-C-T. GRCh37 (hg19) VCF-style: chr3-170725020-C-T.
Other names: c.172G>A, p.Gly58Ser (NM_001278658.2); c.10G>A, p.Gly4Ser (NM_001278659.2); short protein forms G177S, G4S, G58S.
Identifiers: ClinVar variation 2067723 (VCV002067723.4), dbSNP rs144822218, ClinGen allele CA2702650.

ClinVar aggregate classification (germline): Uncertain significance. Review status: criteria provided, multiple submitters, no conflicts (2 of 4 stars). 2 submissions from 2 submitters: Uncertain significance (2). Last evaluated 2025-11-18.

Conditions:
Fanconi-Bickel syndrome (FBS). Also called: FANCONI SYNDROME WITH INTESTINAL MALABSORPTION AND GALACTOSE INTOLERANCE; HEPATIC GLYCOGENOSIS WITH AMINO ACIDURIA AND GLUCOSURIA; HEPATIC GLYCOGENOSIS WITH FANCONI NEPHROPATHY; HEPATORENAL GLYCOGENOSIS WITH RENAL FANCONI SYNDROME; PSEUDO-PHLORIZIN DIABETES; Glycogen storage disease due to GLUT2 deficiency. Identifiers: Orphanet 2088, MedGen C3495427, MONDO:0009216, OMIM 227810.
Type 2 diabetes mellitus. Also called: Type II diabetes mellitus. Identifiers: MedGen C0011860, MeSH D003924, MONDO:0005148, OMIM 125853, HP:0005978.

Allele frequency attached by ClinVar (database versions not stated): ExAC 0.00001; gnomAD exomes 0.00002; gnomAD 0.00003; TOPMed 0.00003; ESP Exome Variant Server 0.00008.

Submissions (2):

Labcorp Genetics (formerly Invitae), Labcorp
Classification: Uncertain significance for Fanconi-Bickel syndrome. Last evaluated: 2025-11-18. Review status: criteria provided, single submitter. Criteria: Invitae Variant Classification Sherloc (09022015). Collection method: clinical testing. Allele origin: germline.
Comment: This sequence change replaces glycine, which is neutral and non-polar, with serine, which is neutral and polar, at codon 177 of the SLC2A2 protein (p.Gly177Ser). This variant is present in population databases (rs144822218, gnomAD 0.008%). This variant has not been reported in the literature in individuals affected with SLC2A2-related conditions. ClinVar contains an entry for this variant (Variation ID: 2067723). Invitae Evidence Modeling of protein sequence and biophysical properties (such as structural, functional, and spatial information, amino acid conservation, physicochemical variation, residue mobility, and thermodynamic stability) indicates that this missense variant is not expected to disrupt SLC2A2 protein function with a negative predictive value of 80%. In summary, the available evidence is currently insufficient to determine the role of this variant in disease. Therefore, it has been classified as a Variant of Uncertain Significance.

Fulgent Genetics
Classification: Uncertain significance for Type 2 diabetes mellitus; Fanconi-Bickel syndrome. Last evaluated: 2024-03-25. Review status: criteria provided, single submitter. Criteria: ACMG Guidelines, 2015. Collection method: clinical testing. Allele origin: germline.